The following is an entry in ClinVar:

ClinVar aggregate classification (germline): Uncertain significance (1 of 4 stars; one submission).

Allele frequency attached by ClinVar (database versions not stated): gnomAD exomes 0.00001; ExAC 0.00002; TOPMed 0.00002; gnomAD 0.00005; 1000 Genomes Project 30x 0.00016; 1000 Genomes Project 0.00020.
gnomAD v4.1: 22 of 1,604,322 alleles (0.0014%); highest among the groups gnomAD compares: East Asian, 0.038%; no homozygotes.

Submission:

Labcorp Genetics (formerly Invitae), Labcorp
Classification: Uncertain significance. Last evaluated: 2023-12-28. Review status: criteria provided, single submitter. Criteria: Invitae Variant Classification Sherloc (09022015). Collection method: clinical testing. Allele origin: germline.
Comment: This sequence change replaces proline, which is neutral and non-polar, with leucine, which is neutral and non-polar, at codon 355 of the CNOT3 protein (p.Pro355Leu). This variant is present in population databases (rs587696346, gnomAD 0.04%). This variant has not been reported in the literature in individuals affected with CNOT3-related conditions. An algorithm developed to predict the effect of missense changes on protein structure and function (PolyPhen-2) suggests that this variant is likely to be tolerated. In summary, the available evidence is currently insufficient to determine the role of this variant in disease. Therefore, it has been classified as a Variant of Uncertain Significance.

NM_014516.4(CNOT3):c.1064C>T (p.Pro355Leu)

Gene: CNOT3 (CCR4-NOT transcription complex subunit 3; plus strand). Cytogenetic location: 19q13.42.
Variant type: single nucleotide variant.
Coding change: c.1064C>T on transcript NM_014516.4 (MANE Select); coding-DNA position 1064, C replaced by T.
Protein change: p.Pro355Leu; replaces proline 355 with leucine.
Molecular consequence: missense variant.
Genome position (GRCh38, 1-based): chr19:54,148,317, C>T. VCF-style: chr19-54148317-C-T. GRCh37 (hg19) VCF-style: chr19-54652052-C-T.
Other names: short protein forms P355L.
Identifiers: ClinVar variation 2868899 (VCV002868899.3), dbSNP rs587696346, ClinGen allele CA309339586.